The following is an entry in ClinVar:

ClinVar aggregate classification (germline): Pathogenic (1 of 4 stars; one submission).

Conditions:
Hereditary cancer-predisposing syndrome. Also called: Tumor predisposition; Neoplastic Syndromes, Hereditary; Hereditary neoplastic syndrome; Hereditary Cancer Syndrome. Identifiers: Orphanet 140162, MedGen C0027672, MeSH D009386, MONDO:0015356.

Submission:

Color Diagnostics, LLC DBA Color Health
Classification: Pathogenic for Hereditary cancer-predisposing syndrome. Last evaluated: 2020-12-28. Review status: criteria provided, single submitter. Criteria: ACMG Guidelines, 2015. Collection method: clinical testing. Allele origin: germline.
Comment: This variant inserts 1 nucleotide in exon 3 of the BRCA1 gene, creating a frameshift and premature translation stop signal. This variant is expected to result in an absent or non-functional protein product. To our knowledge, this variant has not been reported in individuals affected with hereditary cancer in the literature. This variant has not been identified in the general population by the Genome Aggregation Database (gnomAD). Loss of BRCA1 function is a known mechanism of disease. Based on the available evidence, this variant is classified as Pathogenic.

NM_007294.4(BRCA1):c.105dup (p.Ser36fs)

Gene: BRCA1 (BRCA1 DNA repair associated; minus strand). Cytogenetic location: 17q21.31.
Variant type: Duplication.
Coding change: c.105dup on transcript NM_007294.4 (MANE Select); coding-DNA position 105, one base duplicated (C; older notation c.105dupC).
Protein change: p.Ser36fs; shifts the reading frame from serine 36.
Molecular consequence: frameshift variant. On other transcripts: non-coding transcript variant (1), intron variant (1).
Genome position (GRCh38, 1-based): chr17:43,115,755, G duplicated on the plus strand (C on the coding strand, the reverse complement: BRCA1 is on the minus strand). VCF-style (leftmost placement, unchanged base first): chr17-43115754-A-AG. GRCh37 (hg19) VCF-style: chr17-41267771-A-AG.
Other names: c.-84dup (NM_001407571.1, NM_001407853.1, NM_001407879.1 and 52 more transcripts); c.105dup, p.Ser36Leufs (NM_001407581.1, NM_001407582.1, NM_001407583.1 and 190 more transcripts); c.-153dup (NM_001407694.1, NM_001407696.1, NM_001407724.1 and 13 more transcripts); c.-157dup (NM_001407695.1, NM_001408465.1); c.-37dup (NM_001407697.1, NM_001407725.1, NM_001407728.1 and 47 more transcripts); c.-33dup (NM_001407841.1); c.-200dup (NM_001407889.1, NM_001407900.1, NM_001408492.1); c.-199dup (NM_001407960.1, NM_001407962.1, NM_001408510.1 and 1 more transcripts); and 3 more; short protein forms S36fs.
Identifiers: ClinVar variation 631234 (VCV000631234.4), dbSNP rs1567817957, ClinGen allele CA913188866.